The following is an entry in ClinVar:

NM_003978.5(PSTPIP1):c.1219T>C (p.Phe407Leu)

Gene: PSTPIP1 (proline-serine-threonine phosphatase interacting protein 1; plus strand). Cytogenetic location: 15q24.3.
Variant type: single nucleotide variant.
Coding change: c.1219T>C on transcript NM_003978.5 (MANE Select); coding-DNA position 1219, T replaced by C.
Protein change: p.Phe407Leu; replaces phenylalanine 407 with leucine.
Molecular consequence: missense variant. On other transcripts: non-coding transcript variant (1).
Genome position (GRCh38, 1-based): chr15:77,037,144, T>C. VCF-style: chr15-77037144-T-C. GRCh37 (hg19) VCF-style: chr15-77329485-T-C.
Other names: c.1162T>C, p.Phe388Leu (NM_001321135.2); c.1192T>C, p.Phe398Leu (NM_001321136.2); c.1414T>C, p.Phe472Leu (NM_001321137.1); c.1210T>C, p.Phe404Leu (NM_001411086.1); short protein forms F388L, F404L, F407L, F398L, F472L.
Identifiers: ClinVar variation 4705900 (VCV004705900.1).

ClinVar aggregate classification (germline): Uncertain significance (1 of 4 stars; one submission).

Conditions:
Pyogenic arthritis-pyoderma gangrenosum-acne syndrome (PAPA). Also called: FAMILIAL RECURRENT ARTHRITIS; PAPA SYNDROME. Identifiers: Orphanet 69126, MedGen C1858361, MONDO:0011462, OMIM 604416.

Submission:

Labcorp Genetics (formerly Invitae), Labcorp
Classification: Uncertain significance for Pyogenic arthritis-pyoderma gangrenosum-acne syndrome. Last evaluated: 2025-12-02. Review status: criteria provided, single submitter. Criteria: Invitae Variant Classification Sherloc (09022015). Collection method: clinical testing. Allele origin: germline.
Comment: This sequence change replaces phenylalanine, which is neutral and non-polar, with leucine, which is neutral and non-polar, at codon 407 of the PSTPIP1 protein (p.Phe407Leu). This variant is not present in population databases (gnomAD no frequency). This variant has not been reported in the literature in individuals affected with PSTPIP1-related conditions. Invitae Evidence Modeling of protein sequence and biophysical properties (such as structural, functional, and spatial information, amino acid conservation, physicochemical variation, residue mobility, and thermodynamic stability) indicates that this missense variant is not expected to disrupt PSTPIP1 protein function with a negative predictive value of 80%. In summary, the available evidence is currently insufficient to determine the role of this variant in disease. Therefore, it has been classified as a Variant of Uncertain Significance.